The following is an entry in ClinVar:

ClinVar aggregate classification (germline): Likely benign. Review status: criteria provided, single submitter (1 of 4 stars). 2 submissions from 2 submitters: Likely benign (1). 1 of the submissions does not count toward it. Last evaluated 2022-12-24.

Conditions:
Bardet-Biedl syndrome (BBS). Identifiers: Orphanet 110, MedGen C0752166, MONDO:0015229.
McKusick-Kaufman syndrome (MKKS). Also called: HYDROMETROCOLPOS SYNDROME; HYDROMETROCOLPOS, POSTAXIAL POLYDACTYLY, AND CONGENITAL HEART MALFORMATION. Identifiers: Orphanet 2473, MedGen C0948368, MONDO:0009367, OMIM 236700.
MKKS-related disorder. Also called: MKKS-related condition; MKKS-related disorders.

gnomAD v4.1: 1 of 1,613,982 alleles (0.000062%); highest among the groups gnomAD compares: Non-Finnish European, 0.000085%; no homozygotes.

Submissions (2):

Labcorp Genetics (formerly Invitae), Labcorp
Classification: Likely benign for McKusick-Kaufman syndrome; Bardet-Biedl syndrome. Last evaluated: 2022-12-24. Review status: criteria provided, single submitter. Criteria: Invitae Variant Classification Sherloc (09022015). Collection method: clinical testing. Allele origin: germline.

PreventionGenetics, part of Exact Sciences
Classification: Likely benign for MKKS-related condition. Last evaluated: 2024-08-21. Review status: no assertion criteria provided. Collection method: clinical testing. Allele origin: germline. Not counted in ClinVar's aggregate classification.
Comment: This variant is classified as likely benign based on ACMG/AMP sequence variant interpretation guidelines (Richards et al. 2015 PMID: 25741868, with internal and published modifications).

NM_170784.3(MKKS):c.1299C>G (p.Leu433=)

Gene: MKKS (MKKS centrosomal shuttling protein; minus strand). Cytogenetic location: 20p12.2.
Variant type: single nucleotide variant.
Coding change: c.1299C>G on transcript NM_170784.3 (MANE Select); coding-DNA position 1299, C replaced by G.
Protein change: p.Leu433=; no amino-acid change (leucine 433 retained).
Molecular consequence: synonymous variant. On other transcripts: non-coding transcript variant (1).
Genome position (GRCh38, 1-based): chr20:10,405,661, G>C on the plus strand (C>G on the coding strand, the complement: MKKS is on the minus strand). VCF-style: chr20-10405661-G-C. GRCh37 (hg19) VCF-style: chr20-10386309-G-C.
Other names: c.1299C>G, p.Leu433= (NM_018848.3).
Identifiers: ClinVar variation 2938844 (VCV002938844.4), dbSNP rs1230480736, ClinGen allele CA509814979.